The following is an entry in ClinVar:

NM_001145358.2(SIN3A):c.1104C>G (p.Asn368Lys)

Gene: SIN3A (SIN3 transcription regulator family member A; minus strand). Cytogenetic location: 15q24.2.
Variant type: single nucleotide variant.
Coding change: c.1104C>G on transcript NM_001145358.2 (MANE Select); coding-DNA position 1104, C replaced by G.
Protein change: p.Asn368Lys; replaces asparagine 368 with lysine.
Molecular consequence: missense variant.
Genome position (GRCh38, 1-based): chr15:75,410,191, G>C on the plus strand (C>G on the coding strand, the complement: SIN3A is on the minus strand). VCF-style: chr15-75410191-G-C. GRCh37 (hg19) VCF-style: chr15-75702532-G-C.
Other names: c.1104C>G, p.Asn368Lys (NM_001145357.2, NM_001437462.1, NM_001437463.1 and 1 more transcripts); short protein forms N368K.
Identifiers: ClinVar variation 5037608 (VCV005037608.1).
Genomic context (GRCh38, chr15:75,410,191, plus strand): 5'-TACCACGGAGCTGTTGGCATCTGGTAGGAATTGTCCAAACTCTGACAACAAATCTTCCTG[G>C]TTTTTAAAGAGACGAGCAACCTGGGCATACACCTCCTGCTCTGTCAATGCTGGAGTGTAG-3'
Protein context (NP_001138830.1, residues 358-378): VYAQVARLFK[Asn368Lys]QEDLLSEFGQ

ClinVar aggregate classification (germline): Uncertain significance (1 of 4 stars; one submission).

Submission:

GeneDx
Classification: Uncertain significance. Last evaluated: 2026-04-24. Review status: criteria provided, single submitter. Criteria: GeneDx Variant Classification Process June 2021. Collection method: clinical testing. Allele origin: germline.
Comment: Not observed at significant frequency in large population cohorts (gnomAD); In silico analysis supports that this missense variant has a deleterious effect on protein structure/function; Has not been previously published as pathogenic or benign to our knowledge